The following is an entry in ClinVar:

ClinVar aggregate classification (germline): Pathogenic/Likely pathogenic. Review status: criteria provided, multiple submitters, no conflicts (2 of 4 stars). 7 submissions from 7 submitters: Pathogenic (1); Likely pathogenic (4). 2 of the submissions do not count toward it. Last evaluated 2026-08-12.

Conditions:
KCNQ1-related disorder. Also called: KCNQ1-related disorders; KCNQ1-related condition. Identifiers: MedGen CN239322.
Cardiovascular phenotype. Identifiers: MedGen CN230736.
Familial long QT syndrome (RWS). Also called: VENTRICULAR FIBRILLATION WITH PROLONGED QT INTERVAL; Romano-Ward syndrome; Congenital long QT syndrome. Identifiers: Orphanet 768, MedGen C1141890, MONDO:0019171.
Long QT syndrome (LQTS). Identifiers: MedGen C0023976, MeSH D008133, MONDO:0002442. Disease mechanism: loss of function. Inheritance: Various modes of inheritance.
Long QT syndrome 1, recessive. Identifiers: MedGen C4017089.
Long QT syndrome 1 (LQT1). Identifiers: Orphanet 101016, Orphanet 768, MedGen C4551647, MONDO:0100316, OMIM 192500, MONDO:0008646.

Allele frequency attached by ClinVar (database versions not stated): gnomAD exomes below 0.00001; ExAC 0.00001.
gnomAD v4.1: 1 of 1,613,966 alleles (0.000062%); no homozygotes.

Submissions (7):

MVZ Martinsried, Medicover Genetics
Classification: Likely pathogenic for Long QT syndrome 1. Last evaluated: 2026-08-12. Review status: criteria provided, single submitter. Criteria: ClinGen Variant Curation SOP V3.2 + Classification Guidance July2025. Collection method: clinical testing. Allele origin: unknown. Affected: yes. Observed: 1 heterozygote.

Labcorp Genetics (formerly Invitae), Labcorp
Classification: Likely pathogenic for Long QT syndrome. Last evaluated: 2024-08-11. Review status: criteria provided, single submitter. Criteria: Invitae Variant Classification Sherloc (09022015). Collection method: clinical testing. Allele origin: germline.
Comment: This sequence change replaces alanine, which is neutral and non-polar, with threonine, which is neutral and polar, at codon 525 of the KCNQ1 protein (p.Ala525Thr). This variant is present in population databases (rs120074188, gnomAD 0.004%). This variant has been observed to be heterozygous in individual(s) with clinical features of long QT syndrome (PMID: 10482963, 22949429). However, in at least one family this variant was detected in unaffected relative(s). This variant has also been observed to be in combination with another KCNQ1 variant in individual(s) with isolated long QT syndrome, but without hearing loss typically associated with autosomal recessive Jervell and Lange-Nielsen syndrome (PMID: 10482963). The clinical significance of this variant in autosomal recessive long QT syndrome is currently unknown. ClinVar contains an entry for this variant (Variation ID: 3132). Advanced modeling of protein sequence and biophysical properties (such as structural, functional, and spatial information, amino acid conservation, physicochemical variation, residue mobility, and thermodynamic stability) performed at Invitae indicates that this missense variant is expected to disrupt KCNQ1 protein function with a positive predictive value of 95%. Experimental studies have shown that this missense change affects KCNQ1 function (PMID: 24912595). In summary, the currently available evidence indicates that the variant is pathogenic, but additional data are needed to prove that conclusively. Therefore, this variant has been classified as Likely Pathogenic.

Blueprint Genetics
Classification: Likely pathogenic for KCNQ1-related disorders. Last evaluated: 2020-11-27. Review status: criteria provided, single submitter. Criteria: ACMG Guidelines, 2015. Collection method: clinical testing. Allele origin: germline. Affected: yes. Observed: 1 variant allele.

Ambry Genetics
Classification: Likely pathogenic for Cardiovascular phenotype. Last evaluated: 2016-06-01. Review status: criteria provided, single submitter. Criteria: Ambry Variant Classification Scheme 2023. Collection method: clinical testing. Allele origin: germline.
Comment: The p.A525T variant (also known as c.1573G>A), located in coding exon 12 of the KCNQ1 gene, results from a G to A substitution at nucleotide position 1573. The alanine at codon 525 is replaced by threonine, an amino acid with similar properties. This alteration was first reported in two siblings who presented shortly after birth with bradycardia and prolonged QTc intervals and who both had a second nonsense alteration in trans in KCNQ1 (Larsen LA, Eur. J. Hum. Genet. 1999 Sep; 7(6):724-8). Further in vitro studies suggest the p.A525T alteration, when present in compound heterozygous state with a nonsense mutation, impacts protein processing and trafficking in the endoplasmic reticulum (ER); however, only mild impact was observed when this variant was present in heterozygous state (Harmer SC, Biochem. J. 2014 Aug; 462(1):133-42). In addition, this alteration was reported in studies of long QT syndrome clinical genetic testing; however, clinical details were limited (Kapplinger JD et al. Heart Rhythm. 2009;6(9):1297-303; Kapa S et al. Circulation. 2009 Nov 3;120(18):1752-60). This variant was previously reported in the SNPDatabase as rs120074188. Based on data from ExAC, the A allele has an overall frequency of approximately <0.01% (1/106061). This amino acid position is highly conserved in available vertebrate species. In addition, this alteration is predicted to be deleterious by in silico analysis. Based on the majority of available evidence to date, this variant is likely to be pathogenic.

GeneDx
Classification: Pathogenic. Last evaluated: 2012-04-06. Review status: criteria provided, single submitter. Criteria: GeneDx Variant Classification (06012015). Collection method: clinical testing. Allele origin: germline. Affected: yes.
Comment: p.Ala525Thr (GCC>ACC): c.1573 G>A in exon 12 of the KCNQ1 gene (NM_000218.2). The Ala525Thr mutation in the KCNQ1 gene has been reported previously in association with LQTS (Larsen et al., 1999, Kapplinger et al., 2009). Larsen et al. reported Ala525Thr in one patient with neonatal onset LQTS who was compound heterozygous for a nonsense mutation in the KCNQ1 gene. Heterozygous carriers of the Ala525Thr mutation in this family were asymptomatic for clinical LQTS, suggesting an autosomal recessive form of LQTS. However, the proband's mother and sibling were heterozygous for this mutation and reportedly asymptomatic, but presented with a prolonged QTc intervals (Larsen et al., 1999). The NHLBI ESP Exome Variant Server reports Ala525Thr was not observed in approximately 5,000 samples from individuals of European and African American backgrounds, indicating it is not a common benign variant in these populations (NHLBI ESP). Other mutations in this codon (Ala525Val) and in neighboring codons (Tyr522Ser, Val524Gly, Lys526Glu) have been reported in association with LQTS, further supporting the functional importance of this codon and this region of the protein. Therefore, Ala525Thr in the KCNQ1 gene is interpreted to be a disease-causing mutation. The variant is found in LQT panel(s).

OMIM
Classification: Pathogenic for LONG QT SYNDROME 1, RECESSIVE. Last evaluated: 1999-09-01. Review status: no assertion criteria provided. Collection method: literature only. Allele origin: germline. Not counted in ClinVar's aggregate classification.

Cardiovascular Biomedical Research Unit, Royal Brompton & Harefield NHS Foundation Trust
No classification provided. Condition: Familial long QT syndrome. Review status: no classification provided. Collection method: literature only. Allele origin: germline. Not counted in ClinVar's aggregate classification.
Comment: This variant has been reported as associated with Long QT syndrome in the following publications (PMID:10482963;PMID:19716085;PMID:19841300). This is a literature report, and does not necessarily reflect the clinical interpretation of the Imperial College / Royal Brompton Cardiovascular Genetics laboratory.

Literature cited by the submitters: PubMed 10482963 (cited by 4 submitters); PubMed 22949429 (cited by Labcorp Genetics (formerly Invitae), Labcorp); PubMed 24912595 (cited by Labcorp Genetics (formerly Invitae), Labcorp and Ambry Genetics); PubMed 19716085 (cited by Ambry Genetics and Cardiovascular Biomedical Research Unit, Royal Brompton & Harefield NHS Foundation Trust); PubMed 19841300 (cited by Cardiovascular Biomedical Research Unit, Royal Brompton & Harefield NHS Foundation Trust); PubMed 22581653 (cited by Cardiovascular Biomedical Research Unit, Royal Brompton & Harefield NHS Foundation Trust).

NM_000218.3(KCNQ1):c.1573G>A (p.Ala525Thr)

Gene: KCNQ1 (potassium voltage-gated channel subfamily Q member 1; plus strand). Cytogenetic location: 11p15.5.
Variant type: single nucleotide variant.
Coding change: c.1573G>A on transcript NM_000218.3 (MANE Select); coding-DNA position 1573, G replaced by A.
Protein change: p.Ala525Thr; replaces alanine 525 with threonine.
Molecular consequence: missense variant.
Genome position (GRCh38, 1-based): chr11:2,768,902, G>A. VCF-style: chr11-2768902-G-A. GRCh37 (hg19) VCF-style: chr11-2790132-G-A.
Other names: p.A525T:GCC>ACC; c.1573G>A (LRG_287t1); c.1477G>A, p.Ala493Thr (NM_001406836.1); c.1303G>A, p.Ala435Thr (NM_001406837.1); c.1033G>A, p.Ala345Thr (NM_001406838.1); c.1192G>A, p.Ala398Thr (NM_181798.2); short protein forms A525T, A398T, A345T, A435T, A493T.
Identifiers: ClinVar variation 3132 (VCV000003132.15), dbSNP rs120074188, ClinGen allele CA005949.